The following is an entry in ClinVar:

ClinVar aggregate classification (germline): Uncertain significance. Review status: criteria provided, multiple submitters, no conflicts (2 of 4 stars). 2 submissions from 2 submitters: Uncertain significance (2). Last evaluated 2025-05-27.

Conditions:
Familial cancer of breast. Also called: BREAST CANCER, FAMILIAL; Hereditary breast cancer; hereditary breast carcinoma. Identifiers: Orphanet 227535, MedGen C0346153, MONDO:0016419, OMIM 114480. Disease mechanism: loss of function.
Hereditary cancer-predisposing syndrome. Also called: Tumor predisposition; Hereditary Cancer Syndrome; Neoplastic Syndromes, Hereditary; Hereditary neoplastic syndrome. Identifiers: Orphanet 140162, MedGen C0027672, MeSH D009386, MONDO:0015356.

Submissions (2):

Labcorp Genetics (formerly Invitae), Labcorp
Classification: Uncertain significance for Familial cancer of breast. Last evaluated: 2025-05-27. Review status: criteria provided, single submitter. Criteria: Invitae Variant Classification Sherloc (09022015). Collection method: clinical testing. Allele origin: germline.
Comment: This sequence change replaces tryptophan, which is neutral and slightly polar, with arginine, which is basic and polar, at codon 912 of the PALB2 protein (p.Trp912Arg). This variant is not present in population databases (gnomAD no frequency). This variant has not been reported in the literature in individuals affected with PALB2-related conditions. ClinVar contains an entry for this variant (Variation ID: 821734). Invitae Evidence Modeling of protein sequence and biophysical properties (such as structural, functional, and spatial information, amino acid conservation, physicochemical variation, residue mobility, and thermodynamic stability) indicates that this missense variant is expected to disrupt PALB2 protein function with a positive predictive value of 80%. In summary, the available evidence is currently insufficient to determine the role of this variant in disease. Therefore, it has been classified as a Variant of Uncertain Significance.

Ambry Genetics
Classification: Uncertain significance for Hereditary cancer-predisposing syndrome. Last evaluated: 2023-06-08. Review status: criteria provided, single submitter. Criteria: Ambry Variant Classification Scheme 2023. Collection method: clinical testing. Allele origin: germline.
Comment: The p.W912R variant (also known as c.2734T>C), located in coding exon 7 of the PALB2 gene, results from a T to C substitution at nucleotide position 2734. The tryptophan at codon 912 is replaced by arginine, an amino acid with dissimilar properties. This amino acid position is highly conserved in available vertebrate species. In addition, the in silico prediction for this alteration is inconclusive. Since supporting evidence is limited at this time, the clinical significance of this alteration remains unclear.

NM_024675.4(PALB2):c.2734T>C (p.Trp912Arg)

Gene: PALB2 (partner and localizer of BRCA2; minus strand). Cytogenetic location: 16p12.2.
Variant type: single nucleotide variant.
Coding change: c.2734T>C on transcript NM_024675.4 (MANE Select); coding-DNA position 2734, T replaced by C.
Protein change: p.Trp912Arg; replaces tryptophan 912 with arginine.
Molecular consequence: missense variant.
Genome position (GRCh38, 1-based): chr16:23,626,250, A>G on the plus strand (T>C on the coding strand, the complement: PALB2 is on the minus strand). VCF-style: chr16-23626250-A-G. GRCh37 (hg19) VCF-style: chr16-23637571-A-G.
Other names: short protein forms W912R.
Identifiers: ClinVar variation 821734 (VCV000821734.15), dbSNP rs1597084930, ClinGen allele CA395121846.